The following is an entry in ClinVar:

NM_001365951.3(KIF1B):c.5289+4C>A

Gene: KIF1B (kinesin family member 1B; plus strand). Cytogenetic location: 1p36.22.
Variant type: single nucleotide variant.
Coding change: c.5289+4C>A on transcript NM_001365951.3 (MANE Select); 4 bases into the intron after coding-DNA position 5289, C replaced by A.
Molecular consequence: intron variant.
Genome position (GRCh38, 1-based): chr1:10,375,050, C>A. VCF-style: chr1-10375050-C-A. GRCh37 (hg19) VCF-style: chr1-10435108-C-A.
Other names: c.5151+4C>A (NM_015074.3); c.5289+4C>A (NM_001365952.1).
Identifiers: ClinVar variation 2560513 (VCV002560513.4), dbSNP rs182657577, ClinGen allele CA884823065.

ClinVar aggregate classification (germline): Conflicting classifications of pathogenicity. Review status: criteria provided, conflicting classifications (1 of 4 stars). 2 submissions from 2 submitters: Uncertain significance (1); Likely benign (1). Last evaluated 2025-10-03.

Conditions:
KIF1B-related disorder. Also called: KIF1B-related condition.

gnomAD v4.1: 3 of 1,613,870 alleles (0.00019%); highest among the groups gnomAD compares: Non-Finnish European, 0.00025%; no homozygotes.

Submissions (2):

Ambry Genetics
Classification: Uncertain significance. Last evaluated: 2025-10-03. Review status: criteria provided, single submitter. Criteria: Ambry Variant Classification Scheme 2023. Collection method: clinical testing. Allele origin: germline.
Comment: The c.5151+4C>A intronic variant results from a C to A substitution 4 nucleotides after coding exon 44 in the KIF1B gene. This nucleotide position is poorly conserved in available vertebrate species. In silico splice site analysis predicts that this alteration will not have any significant effect on splicing. The evidence for this gene-disease relationship is limited; therefore, the clinical significance of this alteration is unclear.

PreventionGenetics, part of Exact Sciences
Classification: Likely benign for KIF1B-related condition. Last evaluated: 2025-01-06. Review status: criteria provided, single submitter. Criteria: ACMG Guidelines, 2015. Collection method: clinical testing. Allele origin: germline.
Comment: This variant is classified as likely benign based on ACMG/AMP sequence variant interpretation guidelines (Richards et al. 2015 PMID: 25741868, with internal and published modifications).